The following is an entry in ClinVar:

NM_001999.4(FBN2):c.4312G>A (p.Glu1438Lys)

Gene: FBN2 (fibrillin 2; minus strand). Cytogenetic location: 5q23.3.
Variant type: single nucleotide variant.
Coding change: c.4312G>A on transcript NM_001999.4 (MANE Select); coding-DNA position 4312, G replaced by A.
Protein change: p.Glu1438Lys; replaces glutamic acid 1438 with lysine.
Molecular consequence: missense variant.
Genome position (GRCh38, 1-based): chr5:128,330,606, C>T on the plus strand (G>A on the coding strand, the complement: FBN2 is on the minus strand). VCF-style: chr5-128330606-C-T. GRCh37 (hg19) VCF-style: chr5-127666298-C-T.
Other names: p.E1438K:GAA>AAA; short protein forms E1438K.
Identifiers: ClinVar variation 137330 (VCV000137330.75), dbSNP rs56168072, ClinGen allele CA319706.

ClinVar aggregate classification (germline): Benign/Likely benign. Review status: criteria provided, multiple submitters, no conflicts (2 of 4 stars). 19 submissions from 18 submitters: Benign (15); Likely benign (3). 1 of the submissions does not count toward it. Last evaluated 2026-09-01.

Conditions:
Connective tissue disorder. Also called: Connective tissue disease. Identifiers: MedGen C0009782, MONDO:0003900.
Ehlers-Danlos syndrome (EDS). Identifiers: Orphanet 98249, MedGen C0013720, MONDO:0020066.
Familial thoracic aortic aneurysm and aortic dissection (TAAD). Also called: Thoracic aortic aneurysms and dissections. Identifiers: Orphanet 91387, MedGen C4707243, MONDO:0019625.
Congenital contractural arachnodactyly (CCA). Also called: BEALS SYNDROME; Beals-Hecht syndrome; Arthrogryposis, distal, type 9. Identifiers: Orphanet 115, MedGen C0220668, MONDO:0007363, OMIM 121050.

Allele frequency attached by ClinVar (database versions not stated): 1000 Genomes Project 0.00359; 1000 Genomes Project 30x 0.00406; TOPMed 0.00751; ExAC 0.00795; gnomAD exomes 0.00801 and 0.01025; gnomAD 0.00813 and 0.00832; ESP Exome Variant Server 0.00823.
gnomAD v4.1: 16,193 of 1,614,008 alleles (1%); highest among the groups gnomAD compares: Non-Finnish European, 1.1%; 128 homozygotes.

Submissions (19):

CeGaT Center for Human Genetics Tuebingen
Classification: Benign. Last evaluated: 2026-09-01. Review status: criteria provided, single submitter. Criteria: CeGaT Center For Human Genetics Tuebingen Variant Classification Criteria Version 2. Collection method: clinical testing. Allele origin: germline. Affected: yes. Observed: 49 variant alleles.
Comment: FBN2: BS1, BS2

Labcorp Genetics (formerly Invitae), Labcorp
Classification: Benign for Congenital contractural arachnodactyly. Last evaluated: 2026-02-04. Review status: criteria provided, single submitter. Criteria: Invitae Variant Classification Sherloc (09022015). Collection method: clinical testing. Allele origin: germline.

Genomic Medicine Center of Excellence, King Faisal Specialist Hospital and Research Centre
Classification: Likely benign. Last evaluated: 2025-08-18. Review status: criteria provided, single submitter. Criteria: ACMG Guidelines, 2015. Collection method: clinical testing. Allele origin: germline.

ARUP Laboratories, Molecular Genetics and Genomics, ARUP Laboratories
Classification: Benign. Last evaluated: 2025-05-29. Review status: criteria provided, single submitter. Criteria: ARUP Molecular Germline Variant Investigation Process 2024. Collection method: clinical testing. Allele origin: germline.

Blueprint Genetics
Classification: Benign. Last evaluated: 2024-11-26. Review status: criteria provided, single submitter. Criteria: ACMG Guidelines, 2015. Collection method: clinical testing. Allele origin: germline.

Mayo Clinic Laboratories, Mayo Clinic
Classification: Benign. Last evaluated: 2022-06-21. Review status: criteria provided, single submitter. Criteria: ACMG Guidelines, 2015. Collection method: clinical testing. Allele origin: germline. Observed: 33 variant alleles.
Comment: BS1, BS2

Genome Diagnostics Laboratory, The Hospital for Sick Children
Classification: Benign for Ehlers-Danlos syndrome. Last evaluated: 2022-05-27. Review status: criteria provided, single submitter. Criteria: ACMG Guidelines, 2015. Collection method: clinical testing. Allele origin: germline.

Genome Diagnostics Laboratory, The Hospital for Sick Children
Classification: Benign for Connective tissue disorder. Last evaluated: 2021-10-09. Review status: criteria provided, single submitter. Criteria: ACMG Guidelines, 2015. Collection method: clinical testing. Allele origin: germline.

Illumina Laboratory Services, Illumina
Classification: Benign for Congenital contractural arachnodactyly. Last evaluated: 2018-01-13. Review status: criteria provided, single submitter. Criteria: ICSL Variant Classification Criteria 13 December 2019. Collection method: clinical testing. Allele origin: germline.
Comment: This variant was observed in the ICSL laboratory as part of a predisposition screen in an ostensibly healthy population. It had not been previously curated by ICSL or reported in the Human Gene Mutation Database (HGMD: prior to June 1st, 2018), and was therefore a candidate for classification through an automated scoring system. Utilizing variant allele frequency, disease prevalence and penetrance estimates, and inheritance mode, an automated score was calculated to assess if this variant is too frequent to cause the disease. Based on the score and internal cut-off values, a variant classified as benign is not then subjected to further curation. The score for this variant resulted in a classification of benign for this disease.

Genome Diagnostics Laboratory, University Medical Center Utrecht
Classification: Likely benign for Congenital contractural arachnodactyly. Last evaluated: 2017-07-28. Review status: criteria provided, single submitter. Criteria: ACGS Guidelines, 2013. Collection method: clinical testing. Allele origin: germline. Affected: yes. Study: VKGL Data-share Consensus.

Women's Health and Genetics/Laboratory Corporation of America, LabCorp
Classification: Benign. Last evaluated: 2017-03-29. Review status: criteria provided, single submitter. Criteria: LabCorp Variant Classification Summary - May 2015. Collection method: clinical testing. Allele origin: germline.
Comment: Variant summary: The FBN2 c.4312G>A (p.Glu1438Lys) variant causes a missense change involving the alteration of a conserved nucleotide. 3/4 in silico tools predict a benign outcome for this variant (SNPs&GO not captured due to low reliability index). The variant of interest has been found in a large, broad control population, ExAC in 964/121286 control chromosomes (10 homozygotes) at a frequency of 0.0079482, which is approximately 170 times the estimated maximal expected allele frequency of a pathogenic FBN2 variant (0.0000469), suggesting this variant is likely a benign polymorphism. In addition, multiple clinical diagnostic laboratories/reputable databases classified this variant as benign. The variant of interest has not, to our knowledge, been reported in affected individuals via publications and/or reputable databases/clinical diagnostic laboratories; nor evaluated for functional impact by in vivo/vitro studies. Taken together, this variant is classified as benign.

Clinical Genetics DNA and cytogenetics Diagnostics Lab, Erasmus MC, Erasmus Medical Center
Classification: Benign for Congenital contractural arachnodactyly. Last evaluated: 2015-10-27. Review status: criteria provided, single submitter. Criteria: ACGS Guidelines, 2013. Collection method: clinical testing. Allele origin: germline. Affected: yes. Study: VKGL Data-share Consensus.

Ambry Genetics
Classification: Benign for Familial thoracic aortic aneurysm and aortic dissection. Last evaluated: 2014-12-23. Review status: criteria provided, single submitter. Criteria: Ambry Variant Classification Scheme 2023. Collection method: clinical testing. Allele origin: germline.

Genetic Services Laboratory, University of Chicago
Classification: Benign. Last evaluated: 2014-05-23. Review status: criteria provided, single submitter. Criteria: ACMG Guidelines, 2015. Collection method: clinical testing. Allele origin: germline.

Laboratory for Molecular Medicine, Mass General Brigham Personalized Medicine
Classification: Benign. Last evaluated: 2013-04-04. Review status: criteria provided, single submitter. Criteria: LMM Criteria. Collection method: clinical testing. Allele origin: germline. Observed: 2 variant alleles.
Comment: Glu1438Lys in exon 33 of FBN2: This variant is not expected to have clinical sig nificance because it has been identified in 1.1% (96/8600) of European American chromosomes from a broad population by the NHLBI Exome Sequencing Project (dbSNP rs56168072).

GeneDx
Classification: Benign. Last evaluated: 2013-01-29. Review status: criteria provided, single submitter. Criteria: GeneDx Variant Classification (06012015). Collection method: clinical testing. Allele origin: germline. Affected: yes.
Comment: This variant is considered likely benign or benign based on one or more of the following criteria: it is a conservative change, it occurs at a poorly conserved position in the protein, it is predicted to be benign by multiple in silico algorithms, and/or has population frequency not consistent with disease.

Breakthrough Genomics
Classification: Likely benign. Review status: criteria provided, single submitter. Criteria: ACMG Guidelines, 2015. Collection method: not provided. Allele origin: germline. Inheritance: Autosomal dominant inheritance. Affected: yes.

PreventionGenetics, part of Exact Sciences
Classification: Benign. Review status: criteria provided, single submitter. Criteria: ACMG Guidelines, 2015. Collection method: clinical testing. Allele origin: germline.

Laboratory of Diagnostic Genome Analysis, Leiden University Medical Center (LUMC)
Classification: Likely benign. Review status: no assertion criteria provided. Collection method: clinical testing. Allele origin: germline. Affected: yes. Study: VKGL Data-share Consensus. Not counted in ClinVar's aggregate classification.